The following is an entry in ClinVar:

NM_138694.4(PKHD1):c.10211_10212insTTACA (p.Cys3405fs)

Gene: PKHD1 (PKHD1 ciliary IPT domain containing fibrocystin/polyductin; minus strand). Cytogenetic location: 6p12.3.
Variant type: Insertion.
Coding change: c.10211_10212insTTACA on transcript NM_138694.4 (MANE Select); coding-DNA positions 10211 to 10212, TTACA inserted.
Protein change: p.Cys3405fs; shifts the reading frame from cysteine 3405.
Molecular consequence: frameshift variant.
Genome position: GRCh38 VCF-style: chr6-51659914-G-GTGTAA. GRCh37 (hg19) VCF-style: chr6-51524712-G-GTGTAA.
Other names: short protein forms C3405fs.
Identifiers: ClinVar variation 4816536 (VCV004816536.1).

ClinVar aggregate classification (germline): Likely pathogenic (1 of 4 stars; one submission).

Conditions:
Autosomal recessive polycystic kidney disease (ARPKD). Also called: AR polycystic kidney disease. Identifiers: Orphanet 731, Orphanet 8378, MedGen C0085548, MeSH D017044, MONDO:0009889.

Submission:

Natera, Inc.
Classification: Likely pathogenic for Autosomal recessive polycystic kidney disease. Last evaluated: 2024-02-23. Review status: criteria provided, single submitter. Criteria: Natera Variant Classification Schema (03/2026). Collection method: clinical testing. Allele origin: germline.
Comment: The c.10211_10212insTTACA variant in PKHD1 is a frameshift variant predicted to shift the reading frame beginning at codon 3405 and leads to a stop codon 11 codons downstream. This variant is expected to result in nonsense mediated decay, truncation, or a dysfunctional protein product. This variant is rare in the general population with a frequency below the threshold expected for the associated phenotype(s). Given the available evidence, this variant is classified as Likely Pathogenic.